The following is an entry in ClinVar:

ClinVar aggregate classification (germline): Benign/Likely benign. Review status: criteria provided, multiple submitters, no conflicts (2 of 4 stars). 6 submissions from 6 submitters: Benign (1); Likely benign (4). 1 of the submissions does not count toward it. Last evaluated 2026-01-28.

Conditions:
RET-related disorder. Also called: RET-related condition; RET-related disease; RET-related disorders.
Hereditary cancer-predisposing syndrome. Also called: Hereditary Cancer Syndrome; Tumor predisposition; Neoplastic Syndromes, Hereditary; Hereditary neoplastic syndrome. Identifiers: Orphanet 140162, MedGen C0027672, MeSH D009386, MONDO:0015356.
Multiple endocrine neoplasia type 2A. Also called: MULTIPLE ENDOCRINE NEOPLASIA, TYPE IIA; PTC SYNDROME; SIPPLE SYNDROME; MEN 2A; MEN-2A syndrome; Pheochromocytoma and amyloid producing medullary thyroid carcinoma. Identifiers: Orphanet 247698, Orphanet 653, MedGen C0025268, MeSH D018813, MONDO:0008234, OMIM 171400.
Multiple endocrine neoplasia, type 2 (MEN2). Identifiers: Orphanet 653, MedGen C4048306, MONDO:0019003. Disease mechanism: gain of function.

Allele frequency attached by ClinVar (database versions not stated): gnomAD exomes below 0.00001; ExAC 0.00001; gnomAD 0.00001; TOPMed 0.00003.
gnomAD v4.1: 14 of 1,609,754 alleles (0.00087%); highest among the groups gnomAD compares: East Asian, 0.0089%; no homozygotes.

Submissions (6):

Labcorp Genetics (formerly Invitae), Labcorp
Classification: Likely benign for Multiple endocrine neoplasia, type 2. Last evaluated: 2026-01-28. Review status: criteria provided, single submitter. Criteria: Invitae Variant Classification Sherloc (09022015). Collection method: clinical testing. Allele origin: germline.

Myriad Genetics, Inc.
Classification: Benign for Multiple endocrine neoplasia type 2A. Last evaluated: 2025-02-26. Review status: criteria provided, single submitter. Criteria: Myriad Autosomal Dominant, Autosomal Recessive and X-Linked Classification Criteria (2023). Collection method: clinical testing. Allele origin: unknown.
Comment: This variant is considered benign. This variant is a silent/synonymous amino acid change and it is not expected to impact splicing.

Blueprint Genetics
Classification: Likely benign. Last evaluated: 2022-09-02. Review status: criteria provided, single submitter. Criteria: ACMG Guidelines, 2015. Collection method: clinical testing. Allele origin: germline.

CeGaT Center for Human Genetics Tuebingen
Classification: Likely benign. Last evaluated: 2019-04-01. Review status: criteria provided, single submitter. Criteria: CeGaT Center For Human Genetics Tuebingen Variant Classification Criteria Version 2. Collection method: clinical testing. Allele origin: germline. Affected: yes. Observed: 1 variant allele.

Ambry Genetics
Classification: Likely benign for Hereditary cancer-predisposing syndrome. Last evaluated: 2018-03-05. Review status: criteria provided, single submitter. Criteria: Ambry Variant Classification Scheme 2023. Collection method: clinical testing. Allele origin: germline.

PreventionGenetics, part of Exact Sciences
Classification: Likely benign for RET-related condition. Last evaluated: 2019-10-23. Review status: no assertion criteria provided. Collection method: clinical testing. Allele origin: germline. Not counted in ClinVar's aggregate classification.
Comment: This variant is classified as likely benign based on ACMG/AMP sequence variant interpretation guidelines (Richards et al. 2015 PMID: 25741868, with internal and published modifications).

NM_020975.6(RET):c.1926C>G (p.Val642=)

Gene: RET (ret proto-oncogene; plus strand). Cytogenetic location: 10q11.21.
Variant type: single nucleotide variant.
Coding change: c.1926C>G on transcript NM_020975.6 (MANE Select); coding-DNA position 1926, C replaced by G.
Protein change: p.Val642=; no amino-acid change (valine 642 retained).
Molecular consequence: synonymous variant. On other transcripts: intron variant (4).
Genome position (GRCh38, 1-based): chr10:43,114,526, C>G. VCF-style: chr10-43114526-C-G. GRCh37 (hg19) VCF-style: chr10-43609974-C-G.
Other names: c.1926C>G, p.Val642= (NM_000323.2, NM_001406743.1, NM_001406744.1 and 4 more transcripts); c.1164C>G, p.Val388= (NM_001355216.2); c.1797C>G, p.Val599= (NM_001406761.1, NM_001406762.1, NM_001406764.1); c.1638C>G, p.Val546= (NM_001406766.1, NM_001406767.1, NM_001406770.1); c.1530C>G, p.Val510= (NM_001406769.1, NM_001406772.1); c.1488C>G, p.Val496= (NM_001406771.1, NM_001406773.1); c.1401C>G, p.Val467= (NM_001406774.1); c.1200C>G, p.Val400= (NM_001406775.1, NM_001406776.1, NM_001406777.1 and 1 more transcripts); and 10 more.
Identifiers: ClinVar variation 543792 (VCV000543792.60), dbSNP rs766962871, ClinGen allele CA036638.